The following is an entry in ClinVar:

ClinVar aggregate classification (germline): Uncertain significance (1 of 4 stars; one submission).

gnomAD v4.1: 1 of 1,603,540 alleles (0.000062%); highest among the groups gnomAD compares: African/African-American, 0.0013%; no homozygotes.

Submission:

Labcorp Genetics (formerly Invitae), Labcorp
Classification: Uncertain significance. Last evaluated: 2025-03-30. Review status: criteria provided, single submitter. Criteria: Invitae Variant Classification Sherloc (09022015). Collection method: clinical testing. Allele origin: germline.
Comment: This sequence change falls in intron 4 of the EYS gene. It does not directly change the encoded amino acid sequence of the EYS protein. It affects a nucleotide within the consensus splice site. This variant is not present in population databases (gnomAD no frequency). This variant has not been reported in the literature in individuals affected with EYS-related conditions. Variants that disrupt the consensus splice site are a relatively common cause of aberrant splicing (PMID: 17576681, 9536098). Algorithms developed to predict the effect of sequence changes on RNA splicing suggest that this variant may disrupt the consensus splice site. In summary, the available evidence is currently insufficient to determine the role of this variant in disease. Therefore, it has been classified as a Variant of Uncertain Significance.

Literature cited by the submitters: PubMed 17576681; PubMed 9536098.

NM_001142800.2(EYS):c.749-3T>G

Gene: EYS (EGF-like photoreceptor maintenance factor; minus strand). Cytogenetic location: 6q12.
Variant type: single nucleotide variant.
Coding change: c.749-3T>G on transcript NM_001142800.2 (MANE Select); 3 bases into the intron before coding-DNA position 749, T replaced by G.
Molecular consequence: intron variant.
Genome position (GRCh38, 1-based): chr6:65,490,710, A>C on the plus strand (T>G on the coding strand, the complement: EYS is on the minus strand). VCF-style: chr6-65490710-A-C. GRCh37 (hg19) VCF-style: chr6-66200603-A-C.
Other names: c.749-3T>G (NM_001292009.2, NM_001142801.2, NM_198283.2).
Identifiers: ClinVar variation 4716332 (VCV004716332.1).